The following is an entry in ClinVar:

ClinVar aggregate classification (germline): Uncertain significance. Review status: criteria provided, multiple submitters, no conflicts (2 of 4 stars). 2 submissions from 2 submitters: Uncertain significance (2). Last evaluated 2025-01-03.

Conditions:
Osteogenesis imperfecta type 8 (OI8). Identifiers: MedGen C1970458, MONDO:0012581, OMIM 610915.
Inborn genetic diseases. Identifiers: MedGen C0950123, MeSH D030342.

Allele frequency attached by ClinVar (database versions not stated): gnomAD exomes below 0.00001; TOPMed below 0.00001; ExAC 0.00001.
gnomAD v4.1: 1 of 1,613,238 alleles (0.000062%); highest among the groups gnomAD compares: Admixed American, 0.0017%; no homozygotes.

Submissions (2):

Ambry Genetics
Classification: Uncertain significance for Inborn genetic diseases. Last evaluated: 2025-01-03. Review status: criteria provided, single submitter. Criteria: Ambry Variant Classification Scheme 2023. Collection method: clinical testing. Allele origin: germline.

Labcorp Genetics (formerly Invitae), Labcorp
Classification: Uncertain significance for Osteogenesis imperfecta type 8. Last evaluated: 2021-04-10. Review status: criteria provided, single submitter. Criteria: Invitae Variant Classification Sherloc (09022015). Collection method: clinical testing. Allele origin: germline.
Comment: This variant is present in population databases (rs764716982, ExAC 0.01%). This sequence change replaces aspartic acid with glutamic acid at codon 691 of the P3H1 protein (p.Asp691Glu). The aspartic acid residue is weakly conserved and there is a small physicochemical difference between aspartic acid and glutamic acid. This variant has not been reported in the literature in individuals with P3H1-related conditions. In summary, the available evidence is currently insufficient to determine the role of this variant in disease. Therefore, it has been classified as a Variant of Uncertain Significance. Algorithms developed to predict the effect of missense changes on protein structure and function (SIFT, PolyPhen-2, Align-GVGD) all suggest that this variant is likely to be tolerated, but these predictions have not been confirmed by published functional studies and their clinical significance is uncertain.

NM_022356.4(P3H1):c.2073T>A (p.Asp691Glu)

Gene: P3H1 (prolyl 3-hydroxylase 1; minus strand). Cytogenetic location: 1p34.2.
Variant type: single nucleotide variant.
Coding change: c.2073T>A on transcript NM_022356.4 (MANE Select); coding-DNA position 2073, T replaced by A.
Protein change: p.Asp691Glu; replaces aspartic acid 691 with glutamic acid.
Molecular consequence: missense variant. On other transcripts: stop lost (1), 3 prime UTR variant (1).
Genome position (GRCh38, 1-based): chr1:42,746,835, A>T on the plus strand (T>A on the coding strand, the complement: P3H1 is on the minus strand). VCF-style: chr1-42746835-A-T. GRCh37 (hg19) VCF-style: chr1-43212506-A-T.
Other names: c.2092T>A, p.Ter698Arg (NM_001146289.2); c.*77T>A (NM_001243246.2); c.2073T>A (NM_022356.3); short protein forms D691E.
Identifiers: ClinVar variation 1487681 (VCV001487681.9), dbSNP rs764716982, ClinGen allele CA801527.
Genomic context (GRCh38, chr1:42,746,835, plus strand): 5'-CAGGGGCTGCTCCTGGGAGAGGTCCATCTCTTCTGGGCTGAAGAGCATCTTCACCAGGTC[A>T]TCTGCCTGCACCCTGTCCTGCAAGGACAAACCCCTGCCCATTCAGAGAGGCCTCCGCTCC-3'
Protein context (NP_071751.3, residues 681-701): RHSERDRVQA[Asp691Glu]DLVKMLFSPE